The following is an entry in ClinVar:

NM_000551.4(VHL):c.448_449del (p.Asn150fs)

Genes: VHL (von Hippel-Lindau tumor suppressor; plus strand), LOC107303340 (3p25 von Hippel-Lindau tumor suppressor, E3 ubiquitin protein ligase Alu-mediated recombination region; plus strand). Cytogenetic location: 3p25.3.
Variant type: Deletion.
Coding change: c.448_449del on transcript NM_000551.4 (MANE Select); coding-DNA positions 448 to 449, 2 bases deleted (AA; older notation c.448_449delAA).
Protein change: p.Asn150fs; shifts the reading frame from asparagine 150.
Molecular consequence: frameshift variant. On other transcripts: intron variant (2).
Genome position (GRCh38, 1-based): chr3:10,146,621-10,146,622, AA deleted. VCF-style (leftmost placement, unchanged base first): chr3-10146620-CAA-C. GRCh37 (hg19) VCF-style: chr3-10188304-CAA-C.
Other names: c.*18-3166_*18-3165del (NM_001354723.2); c.341-3166_341-3165del (NM_198156.3); c.448_449delAA (NM_000551.3); short protein forms N150fs.
Identifiers: ClinVar variation 856153 (VCV000856153.9), dbSNP rs1696266605, ClinGen allele CA916081421.

ClinVar aggregate classification (germline): Pathogenic. Review status: criteria provided, multiple submitters, no conflicts (2 of 4 stars). 2 submissions from 2 submitters: Pathogenic (2). Last evaluated 2025-07-28.

Conditions:
Chuvash polycythemia. Also called: POLYCYTHEMIA, VHL-DEPENDENT. Identifiers: Orphanet 238557, MedGen C1837915, MONDO:0009892, OMIM 263400.
Von Hippel-Lindau syndrome (VHLS). Also called: VHL syndrome; von Hippel–Lindau syndrome; Von Hippel-Lindau. Identifiers: Orphanet 892, MedGen C0019562, MONDO:0008667, OMIM 193300. Disease mechanism: loss of function.
Hereditary cancer-predisposing syndrome. Also called: Hereditary neoplastic syndrome; Tumor predisposition; Neoplastic Syndromes, Hereditary; Hereditary Cancer Syndrome. Identifiers: Orphanet 140162, MedGen C0027672, MeSH D009386, MONDO:0015356.

Submissions (2):

Ambry Genetics
Classification: Pathogenic for Hereditary cancer-predisposing syndrome. Last evaluated: 2025-07-28. Review status: criteria provided, single submitter. Criteria: Ambry Variant Classification Scheme 2023. Collection method: clinical testing. Allele origin: germline.
Comment: The c.448_449delAA pathogenic mutation, located in coding exon 2 of the VHL gene, results from a deletion of two nucleotides at nucleotide positions 448 to 449, causing a translational frameshift with a predicted alternate stop codon (p.N150Yfs*23). This alteration occurs at the 3' terminus of theVHL gene, is not expected to trigger nonsense-mediated mRNA decay, and impacts the last 30% of the protein. However, premature stop codons are typically deleterious in nature, the impacted region is critical for protein function, and a significant portion of the protein is affected (Ambry internal data). This variant is considered to be rare based on population cohorts in the Genome Aggregation Database (gnomAD). Based on the supporting evidence, this variant is interpreted as a disease-causing mutation.

Labcorp Genetics (formerly Invitae), Labcorp
Classification: Pathogenic for Von Hippel-Lindau syndrome; Chuvash polycythemia. Last evaluated: 2022-04-04. Review status: criteria provided, single submitter. Criteria: Invitae Variant Classification Sherloc (09022015). Collection method: clinical testing. Allele origin: germline.
Comment: This variant has not been reported in the literature in individuals affected with VHL-related conditions. This sequence change creates a premature translational stop signal (p.Asn150Tyrfs*23) in the VHL gene. While this is not anticipated to result in nonsense mediated decay, it is expected to disrupt the last 64 amino acid(s) of the VHL protein. This variant is not present in population databases (gnomAD no frequency). ClinVar contains an entry for this variant (Variation ID: 856153). This variant disrupts a region of the VHL protein in which other variant(s) (p.Ser183*) have been determined to be pathogenic (PMID: 8707293, 10567493, 11309459). This suggests that this is a clinically significant region of the protein, and that variants that disrupt it are likely to be disease-causing. For these reasons, this variant has been classified as Pathogenic.

Literature cited by the submitters: PubMed 8707293 (cited by Labcorp Genetics (formerly Invitae), Labcorp); PubMed 10567493 (cited by Labcorp Genetics (formerly Invitae), Labcorp); PubMed 11309459 (cited by Labcorp Genetics (formerly Invitae), Labcorp).